The following is an entry in ClinVar:

NM_206933.4(USH2A):c.6506T>C (p.Ile2169Thr)

Gene: USH2A (usherin; minus strand). Cytogenetic location: 1q41.
Variant type: single nucleotide variant.
Coding change: c.6506T>C on transcript NM_206933.4 (MANE Select); coding-DNA position 6506, T replaced by C.
Protein change: p.Ile2169Thr; replaces isoleucine 2169 with threonine.
Molecular consequence: missense variant.
Genome position (GRCh38, 1-based): chr1:215,999,038, A>G on the plus strand (T>C on the coding strand, the complement: USH2A is on the minus strand). VCF-style: chr1-215999038-A-G. GRCh37 (hg19) VCF-style: chr1-216172380-A-G.
Other names: p.I2169T:ATA>ACA; short protein forms I2169T.
Identifiers: ClinVar variation 48562 (VCV000048562.46), dbSNP rs10864219, ClinGen allele CA143560.

ClinVar aggregate classification (germline): Benign. Review status: criteria provided, multiple submitters, no conflicts (2 of 4 stars). 17 submissions from 17 submitters: Benign (13). 4 of the submissions do not count toward it. Last evaluated 2026-02-04.

Conditions:
Retinal dystrophy. Also called: Inherited retinal dystrophy. Identifiers: Orphanet 71862, MedGen C0854723, MeSH D058499, MONDO:0019118, HP:0000556.
Usher syndrome type 2A. Also called: RETINAL DISEASE IN USHER SYNDROME TYPE IIA, MODIFIER OF; USHER SYNDROME, TYPE IIA. Identifiers: Orphanet 231178, Orphanet 886, MedGen C1848634, MONDO:0010169, OMIM 276901.

Allele frequency attached by ClinVar (database versions not stated): ESP Exome Variant Server 0.48093; gnomAD 0.50863 and 0.50009; ExAC 0.55669; 1000 Genomes Project 0.59345; gnomAD exomes 0.56283; 1000 Genomes Project 30x 0.58260; TOPMed 0.51060.
gnomAD v4.1: 832,816 of 1,609,012 alleles (52%); highest among the groups gnomAD compares: East Asian, 86%; 220,928 homozygotes.

Submissions (17):

Labcorp Genetics (formerly Invitae), Labcorp
Classification: Benign. Last evaluated: 2026-02-04. Review status: criteria provided, single submitter. Criteria: Invitae Variant Classification Sherloc (09022015). Collection method: clinical testing. Allele origin: germline.

Blueprint Genetics
Classification: Benign. Last evaluated: 2024-11-26. Review status: criteria provided, single submitter. Criteria: ACMG Guidelines, 2015. Collection method: clinical testing. Allele origin: germline.

ARUP Laboratories, Molecular Genetics and Genomics, ARUP Laboratories
Classification: Benign. Last evaluated: 2023-11-29. Review status: criteria provided, single submitter. Criteria: ARUP Molecular Germline Variant Investigation Process 2024. Collection method: clinical testing. Allele origin: germline.

Dept Of Ophthalmology, Nagoya University
Classification: Benign for Retinal dystrophy. Last evaluated: 2023-10-01. Review status: criteria provided, single submitter. Criteria: Submitter's publication. Collection method: research. Allele origin: germline. Affected: yes.

Women's Health and Genetics/Laboratory Corporation of America, LabCorp
Classification: Benign. Last evaluated: 2023-04-10. Review status: criteria provided, single submitter. Criteria: LabCorp Variant Classification Summary - May 2015. Collection method: clinical testing. Allele origin: germline.

Genome-Nilou Lab
Classification: Benign for Usher syndrome type 2A. Last evaluated: 2021-07-01. Review status: criteria provided, single submitter. Criteria: ACMG Guidelines, 2015. Collection method: clinical testing. Allele origin: germline. Affected: no.

Mendelics
Classification: Benign for Usher syndrome type 2A. Last evaluated: 2019-05-28. Review status: criteria provided, single submitter. Criteria: Mendelics Assertion Criteria 2017. Collection method: clinical testing. Allele origin: unknown.

Mayo Clinic Laboratories, Mayo Clinic
Classification: Benign. Last evaluated: 2019-05-24. Review status: criteria provided, single submitter. Criteria: ACMG Guidelines, 2015. Collection method: clinical testing. Allele origin: germline. Observed: 122 variant alleles.

Eurofins Ntd Llc (ga)
Classification: Benign. Last evaluated: 2014-06-26. Review status: criteria provided, single submitter. Criteria: EGL Classification Definitions 2015. Collection method: clinical testing. Allele origin: germline. Observed: 1 variant allele, 1 heterozygote.

GeneDx
Classification: Benign. Last evaluated: 2013-08-22. Review status: criteria provided, single submitter. Criteria: GeneDx Variant Classification (06012015). Collection method: clinical testing. Allele origin: germline. Affected: yes.
Comment: This variant is considered likely benign or benign based on one or more of the following criteria: it is a conservative change, it occurs at a poorly conserved position in the protein, it is predicted to be benign by multiple in silico algorithms, and/or has population frequency not consistent with disease.

Laboratory for Molecular Medicine, Mass General Brigham Personalized Medicine
Classification: Benign. Last evaluated: 2008-02-19. Review status: criteria provided, single submitter. Criteria: LMM Criteria. Collection method: clinical testing. Allele origin: germline. Observed: 1,735 variant alleles.

Breakthrough Genomics
Classification: Benign. Review status: criteria provided, single submitter. Criteria: ACMG Guidelines, 2015. Collection method: not provided. Allele origin: germline. Inheritance: Autosomal recessive inheritance. Affected: yes.

PreventionGenetics, part of Exact Sciences
Classification: Benign. Review status: criteria provided, single submitter. Criteria: ACMG Guidelines, 2015. Collection method: clinical testing. Allele origin: germline.

Natera, Inc.
Classification: Benign for Usher syndrome type 2A. Last evaluated: 2020-09-16. Review status: no assertion criteria provided. Collection method: clinical testing. Allele origin: germline. Not counted in ClinVar's aggregate classification.

Clinical Genetics DNA and cytogenetics Diagnostics Lab, Erasmus MC, Erasmus Medical Center
Classification: Benign. Review status: no assertion criteria provided. Collection method: clinical testing. Allele origin: germline. Affected: yes. Study: VKGL Data-share Consensus. Not counted in ClinVar's aggregate classification.

Diagnostic Laboratory, Department of Genetics, University Medical Center Groningen
Classification: Benign. Review status: no assertion criteria provided. Collection method: clinical testing. Allele origin: germline. Affected: yes. Study: VKGL Data-share Consensus. Not counted in ClinVar's aggregate classification.

Joint Genome Diagnostic Labs from Nijmegen and Maastricht, Radboudumc and MUMC+
Classification: Benign. Review status: no assertion criteria provided. Collection method: clinical testing. Allele origin: germline. Affected: yes. Study: VKGL Data-share Consensus. Not counted in ClinVar's aggregate classification.